The following is an entry in ClinVar:

NM_001029883.3(PCARE):c.178G>A (p.Glu60Lys)

Gene: PCARE (photoreceptor cilium actin regulator; minus strand). Cytogenetic location: 2p23.2.
Variant type: single nucleotide variant.
Coding change: c.178G>A on transcript NM_001029883.3 (MANE Select); coding-DNA position 178, G replaced by A.
Protein change: p.Glu60Lys; replaces glutamic acid 60 with lysine.
Molecular consequence: missense variant.
Genome position (GRCh38, 1-based): chr2:29,074,084, C>T on the plus strand (G>A on the coding strand, the complement: PCARE is on the minus strand). VCF-style: chr2-29074084-C-T. GRCh37 (hg19) VCF-style: chr2-29296950-C-T.
Other names: short protein forms E60K.
Identifiers: ClinVar variation 1397137 (VCV001397137.9), dbSNP rs1427138896, ClinGen allele CA346482876.

ClinVar aggregate classification (germline): Uncertain significance. Review status: criteria provided, multiple submitters, no conflicts (2 of 4 stars). 2 submissions from 2 submitters: Uncertain significance (2). Last evaluated 2023-10-01.

Conditions:
Retinal dystrophy. Also called: Inherited retinal dystrophy. Identifiers: Orphanet 71862, MedGen C0854723, MeSH D058499, MONDO:0019118, HP:0000556.

Allele frequency attached by ClinVar (database versions not stated): gnomAD exomes below 0.00001; gnomAD 0.00001; TOPMed 0.00001.

Submissions (2):

Dept Of Ophthalmology, Nagoya University
Classification: Uncertain significance for Retinal dystrophy. Last evaluated: 2023-10-01. Review status: criteria provided, single submitter. Criteria: Submitter's publication. Collection method: research. Allele origin: germline. Affected: yes.

Labcorp Genetics (formerly Invitae), Labcorp
Classification: Uncertain significance. Last evaluated: 2023-06-13. Review status: criteria provided, single submitter. Criteria: Invitae Variant Classification Sherloc (09022015). Collection method: clinical testing. Allele origin: germline.
Comment: This variant has not been reported in the literature in individuals affected with PCARE-related conditions. In summary, the available evidence is currently insufficient to determine the role of this variant in disease. Therefore, it has been classified as a Variant of Uncertain Significance. An algorithm developed to predict the effect of missense changes on protein structure and function (PolyPhen-2) suggests that this variant is likely to be disruptive. ClinVar contains an entry for this variant (Variation ID: 1397137). This variant is present in population databases (no rsID available, gnomAD 0.0009%). This sequence change replaces glutamic acid, which is acidic and polar, with lysine, which is basic and polar, at codon 60 of the PCARE protein (p.Glu60Lys).